The following is an entry in ClinVar:

ClinVar aggregate classification (germline): Uncertain significance. Review status: criteria provided, multiple submitters, no conflicts (2 of 4 stars). 2 submissions from 2 submitters: Uncertain significance (2). Last evaluated 2024-08-18.

Conditions:
Hereditary cancer-predisposing syndrome. Also called: Hereditary neoplastic syndrome; Neoplastic Syndromes, Hereditary; Tumor predisposition; Hereditary Cancer Syndrome. Identifiers: Orphanet 140162, MedGen C0027672, MeSH D009386, MONDO:0015356.

Allele frequency attached by ClinVar (database versions not stated): gnomAD exomes below 0.00001.

Submissions (2):

Ambry Genetics
Classification: Uncertain significance for Hereditary cancer-predisposing syndrome. Last evaluated: 2024-08-18. Review status: criteria provided, single submitter. Criteria: Ambry Variant Classification Scheme 2023. Collection method: clinical testing. Allele origin: germline.
Comment: The p.S2176L variant (also known as c.6527C>T), located in coding exon 46 of the POLE gene, results from a C to T substitution at nucleotide position 6527. The serine at codon 2176 is replaced by leucine, an amino acid with dissimilar properties. This amino acid position is conserved. In addition, this alteration is predicted to be tolerated by in silico analysis. Based on the available evidence, the clinical significance of this variant remains unclear.

Labcorp Genetics (formerly Invitae), Labcorp
Classification: Uncertain significance. Last evaluated: 2019-12-07. Review status: criteria provided, single submitter. Criteria: Invitae Variant Classification Sherloc (09022015). Collection method: clinical testing. Allele origin: germline.
Comment: In summary, the available evidence is currently insufficient to determine the role of this variant in disease. Therefore, it has been classified as a Variant of Uncertain Significance. Algorithms developed to predict the effect of missense changes on protein structure and function are either unavailable or do not agree on the potential impact of this missense change (SIFT: "Deleterious"; PolyPhen-2: "Benign"; Align-GVGD: "Class C0"). This variant has not been reported in the literature in individuals with POLE-related conditions. This variant is not present in population databases (ExAC no frequency). This sequence change replaces serine with leucine at codon 2176 of the POLE protein (p.Ser2176Leu). The serine residue is moderately conserved and there is a large physicochemical difference between serine and leucine.

NM_006231.4(POLE):c.6527C>T (p.Ser2176Leu)

Gene: POLE (DNA polymerase epsilon, catalytic subunit; minus strand). Cytogenetic location: 12q24.33.
Variant type: single nucleotide variant.
Coding change: c.6527C>T on transcript NM_006231.4 (MANE Select); coding-DNA position 6527, C replaced by T.
Protein change: p.Ser2176Leu; replaces serine 2176 with leucine.
Molecular consequence: missense variant.
Genome position (GRCh38, 1-based): chr12:132,626,121, G>A on the plus strand (C>T on the coding strand, the complement: POLE is on the minus strand). VCF-style: chr12-132626121-G-A. GRCh37 (hg19) VCF-style: chr12-133202707-G-A.
Other names: c.6527C>T (NM_006231.2); short protein forms S2176L.
Identifiers: ClinVar variation 835004 (VCV000835004.10), dbSNP rs2041832965, ClinGen allele CA387367082.